The following is an entry in ClinVar:

NM_004991.4(MECOM):c.2368G>A (p.Glu790Lys)

Gene: MECOM (MDS1 and EVI1 complex locus; minus strand). Cytogenetic location: 3q26.2.
Variant type: single nucleotide variant.
Coding change: c.2368G>A on transcript NM_004991.4 (MANE Select); coding-DNA position 2368, G replaced by A.
Protein change: p.Glu790Lys; replaces glutamic acid 790 with lysine.
Molecular consequence: missense variant.
Genome position (GRCh38, 1-based): chr3:169,115,504, C>T on the plus strand (G>A on the coding strand, the complement: MECOM is on the minus strand). VCF-style: chr3-169115504-C-T. GRCh37 (hg19) VCF-style: chr3-168833292-C-T.
Other names: c.1999G>A, p.Glu667Lys (NM_001105077.4); c.1804G>A, p.Glu602Lys (NM_001105078.4, NM_001164000.2, NM_001205194.2 and 4 more transcripts); c.1807G>A, p.Glu603Lys (NM_001163999.2, NM_001366467.2, NM_001366468.2 and 1 more transcripts); c.2368G>A, p.Glu790Lys (NM_001366466.2); c.1396G>A, p.Glu466Lys (NM_001366473.2); c.832G>A, p.Glu278Lys (NM_001366474.2); short protein forms E278K, E667K, E466K, E603K, E790K, E602K.
Identifiers: ClinVar variation 3871739 (VCV003871739.1).

ClinVar aggregate classification (germline): Uncertain significance (1 of 4 stars; one submission).

Conditions:
Inborn genetic diseases. Identifiers: MedGen C0950123, MeSH D030342.

Submission:

Ambry Genetics
Classification: Uncertain significance for Inborn genetic diseases. Last evaluated: 2025-01-23. Review status: criteria provided, single submitter. Criteria: Ambry Variant Classification Scheme 2023. Collection method: clinical testing. Allele origin: germline.
Comment: The p.E790K variant (also known as c.2368G>A), located in coding exon 8 of the MECOM gene, results from a G to A substitution at nucleotide position 2368. The glutamic acid at codon 790 is replaced by lysine, an amino acid with similar properties. This amino acid position is conserved. In addition, this alteration is predicted to be tolerated by in silico analysis. Based on the available evidence, the clinical significance of this variant remains unclear.